The following is an entry in ClinVar:

ClinVar aggregate classification (germline): Benign (1 of 4 stars; one submission).

Submission:

CeGaT Center for Human Genetics Tuebingen
Classification: Benign. Last evaluated: 2025-01-01. Review status: criteria provided, single submitter. Criteria: CeGaT Center For Human Genetics Tuebingen Variant Classification Criteria Version 2. Collection method: clinical testing. Allele origin: germline. Affected: yes. Observed: 1 variant allele.
Comment: CYP2A6: BS1, BS2

NM_000762.6(CYP2A6):c.587_588del (p.Lys196fs)

Gene: CYP2A6 (cytochrome P450 family 2 subfamily A member 6; minus strand). Cytogenetic location: 19q13.2.
Variant type: Deletion.
Coding change: c.587_588del on transcript NM_000762.6 (MANE Select); coding-DNA positions 587 to 588, 2 bases deleted (AA; older notation c.587_588delAA).
Protein change: p.Lys196fs; shifts the reading frame from lysine 196.
Molecular consequence: frameshift variant.
Genome position (GRCh38, 1-based): chr19:40,848,285-40,848,286, TT deleted on the plus strand (AA on the coding strand, the reverse complement: CYP2A6 is on the minus strand); deleting any 2 consecutive bases within chr19:40,848,285-40,848,287 gives the same sequence; the c. name uses the placement nearest the transcript's 3' end. VCF-style (leftmost placement, unchanged base first): chr19-40848284-CTT-C. GRCh37 (hg19) VCF-style: chr19-41354189-CTT-C.
Other names: short protein forms K196fs.
Identifiers: ClinVar variation 3770924 (VCV003770924.13).
Genomic context (GRCh38, chr19:40,848,284, plus strand): 5'-CCGTGGAGGTTGACGTGAACTGGAAGATTCCTAGCATCATGCGCAACAGTGACAGGAACT[CTT>C]TGTCCTTATAGTCAAAGCGGTCCCCAAAGACAATGGAGCTGATGACATTGGAGACTGTGC-3'